The following is an entry in ClinVar:

NM_016004.5(IFT52):c.157G>A (p.Val53Met)

Gene: IFT52 (intraflagellar transport 52; plus strand). Cytogenetic location: 20q13.12.
Variant type: single nucleotide variant.
Coding change: c.157G>A on transcript NM_016004.5 (MANE Select); coding-DNA position 157, G replaced by A.
Protein change: p.Val53Met; replaces valine 53 with methionine.
Molecular consequence: missense variant. On other transcripts: 5 prime UTR variant (4).
Genome position (GRCh38, 1-based): chr20:43,596,472, G>A. VCF-style: chr20-43596472-G-A. GRCh37 (hg19) VCF-style: chr20-42225112-G-A.
Other names: c.157G>A, p.Val53Met (NM_001303458.3, NM_001303459.3); c.-515G>A (NM_001323578.2, NM_001323580.2); c.-608G>A (NM_001323579.2, NM_001323581.2); short protein forms V53M.
Identifiers: ClinVar variation 1427662 (VCV001427662.7), dbSNP rs137979762, ClinGen allele CA9866785.

ClinVar aggregate classification (germline): Uncertain significance. Review status: criteria provided, multiple submitters, no conflicts (2 of 4 stars). 2 submissions from 2 submitters: Uncertain significance (2). Last evaluated 2022-09-13.

Conditions:
Short-rib thoracic dysplasia 16 with or without polydactyly (SRTD16). Identifiers: MedGen C4310718, MONDO:0014915, OMIM 617102.

Allele frequency attached by ClinVar (database versions not stated): gnomAD exomes 0.00004 and 0.00010; ExAC 0.00014; gnomAD 0.00042 and 0.00043; TOPMed 0.00044; ESP Exome Variant Server 0.00069; 1000 Genomes Project 0.00080; 1000 Genomes Project 30x 0.00094.
gnomAD v4.1: 123 of 1,607,554 alleles (0.0077%); highest among the groups gnomAD compares: African/African-American, 0.16%; no homozygotes.

Submissions (2):

Labcorp Genetics (formerly Invitae), Labcorp
Classification: Uncertain significance. Last evaluated: 2022-09-13. Review status: criteria provided, single submitter. Criteria: Invitae Variant Classification Sherloc (09022015). Collection method: clinical testing. Allele origin: germline.
Comment: This sequence change replaces valine, which is neutral and non-polar, with methionine, which is neutral and non-polar, at codon 53 of the IFT52 protein (p.Val53Met). This variant is present in population databases (rs137979762, gnomAD 0.2%). This variant has not been reported in the literature in individuals affected with IFT52-related conditions. ClinVar contains an entry for this variant (Variation ID: 1427662). Advanced modeling of protein sequence and biophysical properties (such as structural, functional, and spatial information, amino acid conservation, physicochemical variation, residue mobility, and thermodynamic stability) performed at Invitae indicates that this missense variant is not expected to disrupt IFT52 protein function. In summary, the available evidence is currently insufficient to determine the role of this variant in disease. Therefore, it has been classified as a Variant of Uncertain Significance.

Laboratorio de Genetica e Diagnostico Molecular, Hospital Israelita Albert Einstein
Classification: Uncertain significance for Short-rib thoracic dysplasia 16 with or without polydactyly. Last evaluated: 2021-07-06. Review status: criteria provided, single submitter. Criteria: ACMG Guidelines, 2015. Collection method: clinical testing. Allele origin: germline. Affected: yes.
Comment: ACMG classification criteria: PM2 moderate, BP4 supporting